The following is an entry in ClinVar:

NM_002582.4(PARN):c.1006G>A (p.Asp336Asn)

Gene: PARN (poly(A)-specific ribonuclease; minus strand). Cytogenetic location: 16p13.12.
Variant type: single nucleotide variant.
Coding change: c.1006G>A on transcript NM_002582.4 (MANE Select); coding-DNA position 1006, G replaced by A.
Protein change: p.Asp336Asn; replaces aspartic acid 336 with asparagine.
Molecular consequence: missense variant.
Genome position (GRCh38, 1-based): chr16:14,584,422, C>T on the plus strand (G>A on the coding strand, the complement: PARN is on the minus strand). VCF-style: chr16-14584422-C-T. GRCh37 (hg19) VCF-style: chr16-14678279-C-T.
Other names: c.823G>A, p.Asp275Asn (NM_001134477.3); c.868G>A, p.Asp290Asn (NM_001242992.2); short protein forms D275N, D290N, D336N.
Identifiers: ClinVar variation 5010151 (VCV005010151.1).

ClinVar aggregate classification (germline): Likely pathogenic (1 of 4 stars; one submission).

Conditions:
Pulmonary fibrosis and/or bone marrow failure, Telomere-related, 4. Also called: PULMONARY FIBROSIS AND/OR BONE MARROW FAILURE SYNDROME, TELOMERE-RELATED, 4. Identifiers: Orphanet 2032, MedGen C4225347, MONDO:0014612, OMIM 616371.

gnomAD v4.1: 1 of 1,611,438 alleles (0.000062%); highest among the groups gnomAD compares: Non-Finnish European, 0.000085%; no homozygotes.

Submission:

Molecular Genetics Laboratory, Motol Hospital
Classification: Likely pathogenic for Pulmonary fibrosis and/or bone marrow failure, Telomere-related, 4. Last evaluated: 2026-09-17. Review status: criteria provided, single submitter. Criteria: ACMG Guidelines, 2015. Collection method: clinical testing. Allele origin: germline. Inheritance: Sporadic. Affected: yes. Observed: 1 variant allele, 1 heterozygote.
Comment: A rare variant present 1x in the heterozygous state in non-Finnish European population (1/1177988; gnomAD v4.1.2) (PM2). Rare missense variants in the PARN gene are associated with autosomal dominant telomere- related pulmonary fibrosis and/or bone marrow failure 4 (OMIM # 616371) (PP3, PP4). The variant c.1006G>A is classified as likely pathogenic (ACMG class 4).

Literature cited by the submitters: PubMed 25848748.